The following is an entry in ClinVar:

NM_173076.3(ABCA12):c.5617G>A (p.Val1873Ile)

Gene: ABCA12 (ATP binding cassette subfamily A member 12; minus strand). Cytogenetic location: 2q35.
Variant type: single nucleotide variant.
Coding change: c.5617G>A on transcript NM_173076.3 (MANE Select); coding-DNA position 5617, G replaced by A.
Protein change: p.Val1873Ile; replaces valine 1873 with isoleucine.
Molecular consequence: missense variant. On other transcripts: non-coding transcript variant (1).
Genome position (GRCh38, 1-based): chr2:214,970,346, C>T on the plus strand (G>A on the coding strand, the complement: ABCA12 is on the minus strand). VCF-style: chr2-214970346-C-T. GRCh37 (hg19) VCF-style: chr2-215835070-C-T.
Other names: c.4663G>A, p.Val1555Ile (NM_015657.4); short protein forms V1873I, V1555I.
Identifiers: ClinVar variation 235310 (VCV000235310.17), dbSNP rs114258385, ClinGen allele CA2091156.

ClinVar aggregate classification (germline): Benign/Likely benign. Review status: criteria provided, multiple submitters, no conflicts (2 of 4 stars). 4 submissions from 4 submitters: Benign (2); Likely benign (2). Last evaluated 2026-01-28.

Conditions:
Congenital ichthyosis of skin. Identifiers: MedGen C0020758.

Allele frequency attached by ClinVar (database versions not stated): gnomAD exomes 0.00189 and 0.00071; ExAC 0.00229; gnomAD 0.00714 and 0.00759; TOPMed 0.00833; 1000 Genomes Project 0.00839; 1000 Genomes Project 30x 0.00812; ESP Exome Variant Server 0.00830.
gnomAD v4.1: 2,157 of 1,612,944 alleles (0.13%); highest among the groups gnomAD compares: African/African-American, 2.5%; 26 homozygotes.

Submissions (4):

Labcorp Genetics (formerly Invitae), Labcorp
Classification: Benign. Last evaluated: 2026-01-28. Review status: criteria provided, single submitter. Criteria: Invitae Variant Classification Sherloc (09022015). Collection method: clinical testing. Allele origin: germline.

Illumina Laboratory Services, Illumina
Classification: Benign for Congenital ichthyosis of skin. Last evaluated: 2018-01-13. Review status: criteria provided, single submitter. Criteria: ICSL Variant Classification Criteria 13 December 2019. Collection method: clinical testing. Allele origin: germline.
Comment: This variant was observed in the ICSL laboratory as part of a predisposition screen in an ostensibly healthy population. It had not been previously curated by ICSL or reported in the Human Gene Mutation Database (HGMD: prior to June 1st, 2018), and was therefore a candidate for classification through an automated scoring system. Utilizing variant allele frequency, disease prevalence and penetrance estimates, and inheritance mode, an automated score was calculated to assess if this variant is too frequent to cause the disease. Based on the score and internal cut-off values, a variant classified as benign is not then subjected to further curation. The score for this variant resulted in a classification of benign for this disease.

Center for Pediatric Genomic Medicine, Children's Mercy Hospital and Clinics
Classification: Likely benign. Last evaluated: 2015-06-04. Review status: criteria provided, single submitter. Criteria: ACMG Guidelines, 2015. Collection method: clinical testing. Allele origin: germline.
ClinVar note: Converted during submission from Likely Benign to Likely benign.

Breakthrough Genomics
Classification: Likely benign. Review status: criteria provided, single submitter. Criteria: ACMG Guidelines, 2015. Collection method: not provided. Allele origin: germline. Inheritance: Autosomal recessive inheritance. Affected: yes.